The following continues an entry in ClinVar:

NM_002834.5(PTPN11):c.215C>G (p.Ala72Gly)

Gene: PTPN11. ClinVar aggregate classification (germline): Pathogenic/Likely pathogenic. Pathogenic (19); Likely pathogenic (1). ClinVar aggregate classification (oncogenicity): Uncertain significance.

Submissions 23 to 24 of 24:

OMIM
Classification: Pathogenic for NOONAN SYNDROME 1. Last evaluated: 2001-12-01. Review status: no assertion criteria provided. Collection method: literature only. Allele origin: germline. Not counted in ClinVar's aggregate classification.

Division of Human Genetics, National Health Laboratory Service/University of the Witwatersrand
Classification: Pathogenic for Noonan syndrome 1. Review status: no assertion criteria provided. Collection method: research. Allele origin: unknown. Affected: yes. Observed: 1 variant allele. Not counted in ClinVar's aggregate classification.

Literature cited by the submitters: PubMed 12717436 (cited by Center for Virology of Infectious and Tropical Diseases (CVMIT), Mohammed V Military Teaching Hospital and Women's Health and Genetics/Laboratory Corporation of America, LabCorp); PubMed 16358218 (cited by Center for Virology of Infectious and Tropical Diseases (CVMIT), Mohammed V Military Teaching Hospital); PubMed 11704759 (cited by 8 submitters); PubMed 12960218 (cited by 5 submitters); PubMed 15001945 (cited by Dasa and Labcorp Genetics (formerly Invitae), Labcorp); PubMed 15956085 (cited by 6 submitters); PubMed 19020799 (cited by 4 submitters); PubMed 29493581 (cited by Dasa and 3billion); PubMed 15385933 (cited by Women's Health and Genetics/Laboratory Corporation of America, LabCorp); PubMed 14644997 (cited by Women's Health and Genetics/Laboratory Corporation of America, LabCorp); PubMed 14982869 (cited by Women's Health and Genetics/Laboratory Corporation of America, LabCorp); PubMed 15928039 (cited by 3 submitters); PubMed 22465605 (cited by Women's Health and Genetics/Laboratory Corporation of America, LabCorp); PubMed 21784453 (cited by Women's Health and Genetics/Laboratory Corporation of America, LabCorp and Victorian Clinical Genetics Services, Murdoch Childrens Research Institute); PubMed 25097206 (cited by Women's Health and Genetics/Laboratory Corporation of America, LabCorp); PubMed 19047918 (cited by Women's Health and Genetics/Laboratory Corporation of America, LabCorp); PubMed 19179468 (cited by Women's Health and Genetics/Laboratory Corporation of America, LabCorp); PubMed 17972951 (cited by Women's Health and Genetics/Laboratory Corporation of America, LabCorp); PubMed 15710330 (cited by Women's Health and Genetics/Laboratory Corporation of America, LabCorp); PubMed 25395418 (cited by Women's Health and Genetics/Laboratory Corporation of America, LabCorp); PubMed 27276561 (cited by Women's Health and Genetics/Laboratory Corporation of America, LabCorp); PubMed 32561839 (cited by Women's Health and Genetics/Laboratory Corporation of America, LabCorp); PubMed 27069254 (cited by Women's Health and Genetics/Laboratory Corporation of America, LabCorp); PubMed 12161469 (cited by Labcorp Genetics (formerly Invitae), Labcorp); PubMed 14974085 (cited by Labcorp Genetics (formerly Invitae), Labcorp); PubMed 16399795 (cited by Labcorp Genetics (formerly Invitae), Labcorp); PubMed 17339163 (cited by Labcorp Genetics (formerly Invitae), Labcorp); PubMed 18678287 (cited by Labcorp Genetics (formerly Invitae), Labcorp); PubMed 26918529 (cited by Labcorp Genetics (formerly Invitae), Labcorp); PubMed 11992261 (cited by 4 submitters); PubMed 20301303 (cited by Victorian Clinical Genetics Services, Murdoch Childrens Research Institute); PubMed 21533187 (cited by Victorian Clinical Genetics Services, Murdoch Childrens Research Institute); PubMed 24935154 (cited by Victorian Clinical Genetics Services, Murdoch Childrens Research Institute); PubMed 30355600 (cited by Mayo Clinic Laboratories, Mayo Clinic); PubMed 30541462 (cited by Mayo Clinic Laboratories, Mayo Clinic); PubMed 21321969 (cited by Ambry Genetics); PubMed 24803665 (cited by Ambry Genetics and Laboratory for Molecular Medicine, Mass General Brigham Personalized Medicine).